The following is an entry in ClinVar:

NM_016203.4(PRKAG2):c.900T>A (p.Gly300=)

Gene: PRKAG2 (protein kinase AMP-activated non-catalytic subunit gamma 2; minus strand). Cytogenetic location: 7q36.1.
Variant type: single nucleotide variant.
Coding change: c.900T>A on transcript NM_016203.4 (MANE Select); coding-DNA position 900, T replaced by A.
Protein change: p.Gly300=; no amino-acid change (glycine 300 retained).
Molecular consequence: synonymous variant.
Genome position (GRCh38, 1-based): chr7:151,576,417, A>T on the plus strand (T>A on the coding strand, the complement: PRKAG2 is on the minus strand). VCF-style: chr7-151576417-A-T. GRCh37 (hg19) VCF-style: chr7-151273503-A-T.
Other names: c.768T>A, p.Gly256= (NM_001040633.2); c.525T>A, p.Gly175= (NM_001304527.2); c.177T>A, p.Gly59= (NM_001304531.2, NM_024429.2); c.528T>A, p.Gly176= (NM_001363698.2).
Identifiers: ClinVar variation 927877 (VCV000927877.7), dbSNP rs1334497430, ClinGen allele CA458670581.

ClinVar aggregate classification (germline): Likely benign. Review status: criteria provided, multiple submitters, no conflicts (2 of 4 stars). 3 submissions from 3 submitters: Likely benign (3). Last evaluated 2025-11-25.

Conditions:
Lethal congenital glycogen storage disease of heart. Also called: PHOSPHORYLASE KINASE DEFICIENCY OF HEART; GLYCOGEN STORAGE DISEASE OF HEART. Identifiers: Orphanet 439854, MedGen C1849813, MONDO:0009867, OMIM 261740.
Cardiomyopathy (CMYO). Also called: Cardiomyopathies. Identifiers: Orphanet 167848, MedGen C0878544, MONDO:0004994, HP:0001638. Inheritance: Various modes of inheritance.
Hypertrophic cardiomyopathy. Also called: HYPERTROPHIC MYOCARDIOPATHY. Identifiers: Orphanet 217569, MedGen C0007194, MeSH D002312, MONDO:0005045, HP:0001639.

Allele frequency attached by ClinVar (database versions not stated): TOPMed 0.00001.
gnomAD v4.1: 1 of 1,610,910 alleles (0.000062%); no homozygotes.

Submissions (3):

Labcorp Genetics (formerly Invitae), Labcorp
Classification: Likely benign for Lethal congenital glycogen storage disease of heart. Last evaluated: 2025-11-25. Review status: criteria provided, single submitter. Criteria: Invitae Variant Classification Sherloc (09022015). Collection method: clinical testing. Allele origin: germline.

All of Us Research Program, National Institutes of Health
Classification: Likely benign for Hypertrophic cardiomyopathy. Last evaluated: 2023-11-30. Review status: criteria provided, single submitter. Criteria: ACMG Guidelines, 2015. Collection method: clinical testing. Allele origin: germline. Inheritance: Autosomal dominant inheritance. Observed: 1 variant allele, 1 heterozygote.
Comment: This study involves interpretation of variants in research participants for the purpose of population health screening. Participant phenotype was not available at the time of variant classification. Additional details can be found in publication PMID: 35346344, PMCID: PMC8962531

Color Diagnostics, LLC DBA Color Health
Classification: Likely benign for Cardiomyopathy. Last evaluated: 2019-05-20. Review status: criteria provided, single submitter. Criteria: ACMG Guidelines, 2015. Collection method: clinical testing. Allele origin: germline.